The following is an entry in ClinVar:

ClinVar aggregate classification (germline): Benign. Review status: criteria provided, multiple submitters, no conflicts (2 of 4 stars). 5 submissions from 5 submitters: Benign (5). Last evaluated 2026-02-03.

Allele frequency attached by ClinVar (database versions not stated): ESP Exome Variant Server 0.07531; gnomAD 0.07827 and 0.08016; 1000 Genomes Project 30x 0.09166; 1000 Genomes Project 0.09365; ExAC 0.09893; gnomAD exomes 0.08012 and 0.08938; TOPMed 0.08192.
gnomAD v4.1: 121,749 of 1,521,884 alleles (8%); highest among the groups gnomAD compares: South Asian, 13%; 5,234 homozygotes.

Submissions (8):

Labcorp Genetics (formerly Invitae), Labcorp
Classification: Benign. Last evaluated: 2026-02-03. Review status: criteria provided, single submitter. Criteria: Invitae Variant Classification Sherloc (09022015). Collection method: clinical testing. Allele origin: germline.

Mayo Clinic Laboratories, Mayo Clinic
Classification: Benign. Last evaluated: 2020-10-20. Review status: criteria provided, single submitter. Criteria: ACMG Guidelines, 2015. Collection method: clinical testing. Allele origin: germline. Observed: 25 variant alleles.

GeneDx
Classification: Benign. Last evaluated: 2017-05-09. Review status: criteria provided, single submitter. Criteria: GeneDx Variant Classification (06012015). Collection method: clinical testing. Allele origin: germline. Affected: yes.
Comment: This variant is considered likely benign or benign based on one or more of the following criteria: it is a conservative change, it occurs at a poorly conserved position in the protein, it is predicted to be benign by multiple in silico algorithms, and/or has population frequency not consistent with disease.

Laboratory for Molecular Medicine, Mass General Brigham Personalized Medicine
Classification: Benign. Last evaluated: 2014-11-24. Review status: criteria provided, single submitter. Criteria: LMM Criteria. Collection method: clinical testing. Allele origin: germline. Observed: 163 variant alleles.
Comment: Gln1102His in exon 28 of OTOGL: This variant is not expected to have clinical si gnificance because it has been identified in 7.7% (624/8136) of European America n chromosomes from a broad population by the NHLBI Exome Sequencing Project (dbSNP rs10862089).

Breakthrough Genomics
Classification: Benign. Review status: criteria provided, single submitter. Criteria: ACMG Guidelines, 2015. Collection method: not provided. Allele origin: germline. Inheritance: Autosomal recessive inheritance. Affected: yes.

Dr. Peter K. Rogan Lab, Western University
No classification provided (evidence only). Condition: Familial cancer of breast. Review status: no classification provided. Collection method: in vitro. Allele origin: not applicable. Functional consequence: retained intron. Not counted in ClinVar's aggregate classification.

Dr. Peter K. Rogan Lab, Western University
No classification provided (evidence only). Condition: Cholangiocarcinoma. Review status: no classification provided. Collection method: in vitro. Allele origin: not applicable. Functional consequence: retained intron. Not counted in ClinVar's aggregate classification.

Dr. Peter K. Rogan Lab, Western University
No classification provided (evidence only). Condition: Uterine carcinosarcoma. Review status: no classification provided. Collection method: in vitro. Allele origin: not applicable. Functional consequence: retained intron. Not counted in ClinVar's aggregate classification.

NM_001378609.3(OTOGL):c.3333G>T (p.Gln1111His)

Gene: OTOGL (otogelin like; plus strand). Cytogenetic location: 12q21.31.
Variant type: single nucleotide variant.
Coding change: c.3333G>T on transcript NM_001378609.3 (MANE Select); coding-DNA position 3333, G replaced by T.
Protein change: p.Gln1111His; replaces glutamine 1111 with histidine.
Molecular consequence: missense variant.
Genome position (GRCh38, 1-based): chr12:80,305,695, G>T. VCF-style: chr12-80305695-G-T. GRCh37 (hg19) VCF-style: chr12-80699475-G-T.
Other names: c.3333G>T, p.Gln1111His (NM_001378610.3, NM_173591.7); c.3198G>T, p.Gln1066His (NM_001368062.3); short protein forms Q1102H, Q1066H, Q1111H.
Identifiers: ClinVar variation 226940 (VCV000226940.16), dbSNP rs10862089, ClinGen allele CA6701015.